The following is an entry in ClinVar:

ClinVar aggregate classification (germline): Likely benign. Review status: criteria provided, multiple submitters, no conflicts (2 of 4 stars). 2 submissions from 2 submitters: Likely benign (2). Last evaluated 2025-10-08.

Allele frequency attached by ClinVar (database versions not stated): TOPMed below 0.00001; ExAC 0.00001; gnomAD exomes 0.00001.
gnomAD v4.1: 4 of 1,614,118 alleles (0.00025%); highest among the groups gnomAD compares: South Asian, 0.0022%; no homozygotes.

Submissions (2):

Labcorp Genetics (formerly Invitae), Labcorp
Classification: Likely benign. Last evaluated: 2025-10-08. Review status: criteria provided, single submitter. Criteria: Invitae Variant Classification Sherloc (09022015). Collection method: clinical testing. Allele origin: germline.

Laboratory for Molecular Medicine, Mass General Brigham Personalized Medicine
Classification: Likely benign. Last evaluated: 2017-08-23. Review status: criteria provided, single submitter. Criteria: LMM Criteria. Collection method: clinical testing. Allele origin: germline. Observed: 1 variant allele.
Comment: p.Arg3247Arg in exon 60 of MYO15A: This variant is not expected to have clinical significance because it does not alter an amino acid residue and is not located within the splice consensus sequence. It has been identified in 1/9170 African chromosomes by the Exome Aggregation Consortium (ExAC; dbSNP rs752368160).

NM_016239.4(MYO15A):c.9741C>A (p.Arg3247=)

Gene: MYO15A (myosin XVA; plus strand). Cytogenetic location: 17p11.2.
Variant type: single nucleotide variant.
Coding change: c.9741C>A on transcript NM_016239.4 (MANE Select); coding-DNA position 9741, C replaced by A.
Protein change: p.Arg3247=; no amino-acid change (arginine 3247 retained).
Molecular consequence: synonymous variant.
Genome position (GRCh38, 1-based): chr17:18,163,792, C>A. VCF-style: chr17-18163792-C-A. GRCh37 (hg19) VCF-style: chr17-18067106-C-A.
Identifiers: ClinVar variation 930048 (VCV000930048.11), dbSNP rs752368160, ClinGen allele CA8425668.
Genomic context (GRCh38, chr17:18,163,792, plus strand): 5'-CCACCCCCAGGTGGCCCTGGACGTGGTGGAAGAGATATGTGCTGAGATGGCTCTGACACG[C>A]CCTGAGGCCTTCAATGAATATGTTATCTTCGTTGTCACCAACCGTGGTGAGTGCCAGGAA-3'
Protein context (NP_057323.3, residues 3237-3257): EEICAEMALT[Arg3247=]PEAFNEYVIF